The following is an entry in ClinVar:

NM_003482.4(KMT2D):c.4835G>A (p.Arg1612His)

Gene: KMT2D (lysine methyltransferase 2D; minus strand). Cytogenetic location: 12q13.12.
Variant type: single nucleotide variant.
Coding change: c.4835G>A on transcript NM_003482.4 (MANE Select); coding-DNA position 4835, G replaced by A.
Protein change: p.Arg1612His; replaces arginine 1612 with histidine.
Molecular consequence: missense variant.
Genome position (GRCh38, 1-based): chr12:49,044,872, C>T on the plus strand (G>A on the coding strand, the complement: KMT2D is on the minus strand). VCF-style: chr12-49044872-C-T. GRCh37 (hg19) VCF-style: chr12-49438655-C-T.
Other names: short protein forms R1612H.
Identifiers: ClinVar variation 2151828 (VCV002151828.6), dbSNP rs1268188754, ClinGen allele CA384640706.

ClinVar aggregate classification (germline): Conflicting classifications of pathogenicity. Review status: criteria provided, conflicting classifications (1 of 4 stars). 3 submissions from 3 submitters: Uncertain significance (1); Likely benign (2). Last evaluated 2025-12-05.

Conditions:
Inborn genetic diseases. Identifiers: MedGen C0950123, MeSH D030342.
KMT2D-related disorder. Also called: KMT2D-Related Disorders.
Kabuki syndrome. Also called: NIIKAWA-KUROKI SYNDROME; Kabuki make-up syndrome. Identifiers: Orphanet 2322, MedGen C0796004, MONDO:0016512.

Allele frequency attached by ClinVar (database versions not stated): gnomAD exomes below 0.00001; TOPMed below 0.00001; gnomAD 0.00001.
gnomAD v4.1: 6 of 1,613,948 alleles (0.00037%); highest among the groups gnomAD compares: Non-Finnish European, 0.00042%; no homozygotes.

Submissions (3):

Labcorp Genetics (formerly Invitae), Labcorp
Classification: Likely benign for Kabuki syndrome. Last evaluated: 2025-12-05. Review status: criteria provided, single submitter. Criteria: Invitae Variant Classification Sherloc (09022015). Collection method: clinical testing. Allele origin: germline.

PreventionGenetics, part of Exact Sciences
Classification: Uncertain significance for KMT2D-related condition. Last evaluated: 2024-11-16. Review status: criteria provided, single submitter. Criteria: ACMG Guidelines, 2015. Collection method: clinical testing. Allele origin: germline.
Comment: The KMT2D c.4835G>A variant is predicted to result in the amino acid substitution p.Arg1612His. To our knowledge, this variant has not been reported in the literature in individuals with KMT2D-related disorders. This variant is reported in 0.0016% of alleles in individuals of European (Non-Finnish) descent in gnomAD. At this time, the clinical significance of this variant is uncertain due to the absence of conclusive functional and genetic evidence.

Ambry Genetics
Classification: Likely benign for Inborn genetic diseases. Last evaluated: 2021-10-01. Review status: criteria provided, single submitter. Criteria: Ambry Variant Classification Scheme 2023. Collection method: clinical testing. Allele origin: germline.